The following is an entry in ClinVar:

NM_000062.3(SERPING1):c.613T>C (p.Cys205Arg)

Gene: SERPING1 (serpin family G member 1; plus strand). Cytogenetic location: 11q12.1.
Variant type: single nucleotide variant.
Coding change: c.613T>C on transcript NM_000062.3 (MANE Select); coding-DNA position 613, T replaced by C.
Protein change: p.Cys205Arg; replaces cysteine 205 with arginine.
Molecular consequence: missense variant.
Genome position (GRCh38, 1-based): chr11:57,602,097, T>C. VCF-style: chr11-57602097-T-C. GRCh37 (hg19) VCF-style: chr11-57369570-T-C.
Other names: c.613T>C, p.Cys205Arg (NM_001032295.2); short protein forms C205R.
Identifiers: ClinVar variation 3255466 (VCV003255466.2), dbSNP rs2495431072.

ClinVar aggregate classification (germline): Pathogenic (1 of 4 stars; one submission).

Conditions:
Hereditary angioedema type 1 (HAE1). Identifiers: Orphanet 100050, Orphanet 100051, Orphanet 91378, MedGen C2717906, MONDO:0015053, OMIM 106100.

Submission:

DNA-diagnostics Laboratory, Research Centre For Medical Genetics
Classification: Pathogenic for Hereditary angioedema type 1. Last evaluated: 2024-07-21. Review status: criteria provided, single submitter. Criteria: ACMG Guidelines, 2015. Collection method: research. Allele origin: germline. Inheritance: Autosomal dominant inheritance. Affected: yes. Observed: 1 heterozygote.
Comment: According to our observation and the published information of Ponard et all, 2020, the c.613T>C variant in SERPING1 meets ACMG/ClinGen SVI guidance criteria to be classified as pathogenic: PS4_Mod, PM5, PP3_Mod, PP4_Mod, PM2_Sup, PP2

Literature cited by the submitters: PubMed 31517426.